The following is an entry in ClinVar:

ClinVar aggregate classification (germline): Uncertain significance (1 of 4 stars; one submission).

Allele frequency attached by ClinVar (database versions not stated): gnomAD exomes below 0.00001; ExAC 0.00001.
gnomAD v4.1: 6 of 1,511,716 alleles (0.0004%); highest among the groups gnomAD compares: Non-Finnish European, 0.00046%; no homozygotes.

Submission:

Labcorp Genetics (formerly Invitae), Labcorp
Classification: Uncertain significance. Last evaluated: 2022-11-06. Review status: criteria provided, single submitter. Criteria: Invitae Variant Classification Sherloc (09022015). Collection method: clinical testing. Allele origin: germline.
Comment: In summary, the available evidence is currently insufficient to determine the role of this variant in disease. Therefore, it has been classified as a Variant of Uncertain Significance. Variants that disrupt the consensus splice site are a relatively common cause of aberrant splicing (PMID: 17576681, 9536098). Algorithms developed to predict the effect of sequence changes on RNA splicing suggest that this variant may disrupt the consensus splice site. This variant has not been reported in the literature in individuals affected with GUCY2C-related conditions. This variant is present in population databases (rs766509154, gnomAD 0.0009%). This sequence change falls in intron 25 of the GUCY2C gene. It does not directly change the encoded amino acid sequence of the GUCY2C protein. It affects a nucleotide within the consensus splice site.

Literature cited by the submitters: PubMed 17576681; PubMed 9536098.

NM_004963.4(GUCY2C):c.2970+5G>A

Genes: GUCY2C (guanylate cyclase 2C; minus strand), PLBD1-AS1 (PLBD1 antisense RNA 1; plus strand). Cytogenetic location: 12p12.3.
Variant type: single nucleotide variant.
Coding change: c.2970+5G>A on transcript NM_004963.4 (MANE Select); 5 bases into the intron after coding-DNA position 2970, G replaced by A.
Molecular consequence: intron variant.
Genome position (GRCh38, 1-based): chr12:14,616,628, C>T on the plus strand (G>A on the coding strand, the complement: GUCY2C is on the minus strand). VCF-style: chr12-14616628-C-T. GRCh37 (hg19) VCF-style: chr12-14769562-C-T.
Identifiers: ClinVar variation 2963654 (VCV002963654.3), dbSNP rs766509154, ClinGen allele CA6462930.